The following is an entry in ClinVar:

ClinVar aggregate classification (germline): Uncertain significance (1 of 4 stars; one submission).

Submission:

Labcorp Genetics (formerly Invitae), Labcorp
Classification: Uncertain significance. Last evaluated: 2025-01-15. Review status: criteria provided, single submitter. Criteria: Invitae Variant Classification Sherloc (09022015). Collection method: clinical testing. Allele origin: germline.
Comment: This sequence change replaces lysine, which is basic and polar, with glutamic acid, which is acidic and polar, at codon 961 of the KMT2E protein (p.Lys961Glu). This variant is present in population databases (rs775286228, gnomAD 0.007%). This variant has not been reported in the literature in individuals affected with KMT2E-related conditions. Invitae Evidence Modeling of protein sequence and biophysical properties (such as structural, functional, and spatial information, amino acid conservation, physicochemical variation, residue mobility, and thermodynamic stability) indicates that this missense variant is not expected to disrupt KMT2E protein function with a negative predictive value of 80%. In summary, the available evidence is currently insufficient to determine the role of this variant in disease. Therefore, it has been classified as a Variant of Uncertain Significance.

NM_182931.3(KMT2E):c.2881A>G (p.Lys961Glu)

Gene: KMT2E (lysine methyltransferase 2E (inactive); plus strand). Cytogenetic location: 7q22.3.
Variant type: single nucleotide variant.
Coding change: c.2881A>G on transcript NM_182931.3 (MANE Select); coding-DNA position 2881, A replaced by G.
Protein change: p.Lys961Glu; replaces lysine 961 with glutamic acid.
Molecular consequence: missense variant.
Genome position (GRCh38, 1-based): chr7:105,107,199, A>G. VCF-style: chr7-105107199-A-G. GRCh37 (hg19) VCF-style: chr7-104747646-A-G.
Other names: c.2881A>G, p.Lys961Glu (NM_001410908.1, NM_018682.4); short protein forms K961E.
Identifiers: ClinVar variation 3676644 (VCV003676644.2).